The following is an entry in ClinVar:

NM_201384.3(PLEC):c.4207_4224dup (p.Ala1408_Val1409insArgArgGluGluAlaAla)

Gene: PLEC (plectin; minus strand). Cytogenetic location: 8q24.3.
Variant type: Duplication.
Coding change: c.4207_4224dup on transcript NM_201384.3 (MANE Select); coding-DNA positions 4207 to 4224, 18 bases duplicated (CGGCGGGAGGAGGCGGCG).
Protein change: p.Ala1408_Val1409insArgArgGluGluAlaAla.
Molecular consequence: inframe insertion.
Genome position (GRCh38, 1-based): chr8:143,925,705-143,925,722, CGCCGCCTCCTCCCGCCG duplicated on the plus strand (CGGCGGGAGGAGGCGGCG on the coding strand, the reverse complement: PLEC is on the minus strand); duplicating any 18 consecutive bases within chr8:143,925,705-143,925,723 gives the same sequence; the c. name uses the placement nearest the transcript's 3' end. VCF-style (leftmost placement, unchanged base first): chr8-143925704-C-CCGCCGCCTCCTCCCGCCG. GRCh37 (hg19) VCF-style: chr8-144999872-C-CCGCCGCCTCCTCCCGCCG.
Other names: c.4288_4305dup, p.Ala1435_Val1436insArgArgGluGluAlaAla (NM_000445.5); c.4165_4182dup, p.Ala1394_Val1395insArgArgGluGluAlaAla (NM_201378.4); c.4141_4158dup, p.Ala1386_Val1387insArgArgGluGluAlaAla (NM_201379.3); c.4618_4635dup, p.Ala1545_Val1546insArgArgGluGluAlaAla (NM_201380.4); c.4111_4128dup, p.Ala1376_Val1377insArgArgGluGluAlaAla (NM_201381.3); c.4207_4224dup, p.Ala1408_Val1409insArgArgGluGluAlaAla (NM_201382.4); c.4219_4236dup, p.Ala1412_Val1413insArgArgGluGluAlaAla (NM_201383.3).
Identifiers: ClinVar variation 2100999 (VCV002100999.4), dbSNP rs2538094031, ClinGen allele CA2580078731.

ClinVar aggregate classification (germline): Uncertain significance (1 of 4 stars; one submission).

Conditions:
Epidermolysis bullosa simplex 5C, with pyloric atresia (EBS5C). Also called: PLEC-Related Epidermolysis Bullosa with Pyloric Atresia; Epidermolysis bullosa simplex with pyloric atresia; PLEC1-Related Epidermolysis Bullosa with Pyloric Atresia. Identifiers: Orphanet 158684, MedGen C2677349, MONDO:0012807, OMIM 612138.
Autosomal recessive limb-girdle muscular dystrophy type 2Q (LGMDR17). Also called: MUSCULAR DYSTROPHY, LIMB-GIRDLE, AUTOSOMAL RECESSIVE 17. Identifiers: Orphanet 254361, MedGen C3150989, MONDO:0013390, OMIM 613723.
Epidermolysis bullosa simplex, Ogna type (EBS5A). Also called: Pidermolysis bullosa simplex 5A, Ogna type; EPIDERMOLYSIS BULLOSA SIMPLEX 5A, OGNA TYPE. Identifiers: Orphanet 79401, MedGen C0432317, MONDO:0007555, OMIM 131950.
Epidermolysis bullosa simplex 5B, with muscular dystrophy (EBS5B). Also called: Epidermolysis bullosa simplex with muscular dystrophy; EPIDERMOLYSIS BULLOSA SIMPLEX AND LIMB-GIRDLE MUSCULAR DYSTROPHY. Identifiers: Orphanet 257, MedGen C2931072, MONDO:0009181, OMIM 226670.
Epidermolysis bullosa simplex with nail dystrophy (EBS5D). Identifiers: MedGen C4225309, MONDO:0014661, OMIM 616487.

Submission:

Labcorp Genetics (formerly Invitae), Labcorp
Classification: Uncertain significance for Autosomal recessive limb-girdle muscular dystrophy type 2Q; Epidermolysis bullosa simplex, Ogna type; Epidermolysis bullosa simplex with nail dystrophy; Epidermolysis bullosa simplex 5C, with pyloric atresia; Epidermolysis bullosa simplex 5B, with muscular dystrophy. Last evaluated: 2022-02-21. Review status: criteria provided, single submitter. Criteria: Invitae Variant Classification Sherloc (09022015). Collection method: clinical testing. Allele origin: germline.
Comment: In summary, the available evidence is currently insufficient to determine the role of this variant in disease. Therefore, it has been classified as a Variant of Uncertain Significance. Experimental studies and prediction algorithms are not available or were not evaluated, and the functional significance of this variant is currently unknown. This variant has not been reported in the literature in individuals affected with PLEC-related conditions. This variant is not present in population databases (gnomAD no frequency). This variant, c.4288_4305dup, results in the insertion of 6 amino acid(s) of the PLEC protein (p.Arg1430_Ala1435dup), but otherwise preserves the integrity of the reading frame.